The following is an entry in ClinVar:

NM_004667.6(HERC2):c.12248G>A (p.Arg4083His)

Gene: HERC2 (HECT and RLD domain containing E3 ubiquitin protein ligase 2; minus strand). Cytogenetic location: 15q13.1.
Variant type: single nucleotide variant.
Coding change: c.12248G>A on transcript NM_004667.6 (MANE Select); coding-DNA position 12248, G replaced by A.
Protein change: p.Arg4083His; replaces arginine 4083 with histidine.
Molecular consequence: missense variant.
Genome position (GRCh38, 1-based): chr15:28,132,813, C>T on the plus strand (G>A on the coding strand, the complement: HERC2 is on the minus strand). VCF-style: chr15-28132813-C-T. GRCh37 (hg19) VCF-style: chr15-28377959-C-T.
Other names: short protein forms R4083H.
Identifiers: ClinVar variation 3600591 (VCV003600591.2).

ClinVar aggregate classification (germline): Uncertain significance (1 of 4 stars; one submission).

gnomAD v4.1: 13 of 1,562,164 alleles (0.00083%); highest among the groups gnomAD compares: South Asian, 0.0024%; no homozygotes.

Submission:

GeneDx
Classification: Uncertain significance. Last evaluated: 2025-04-28. Review status: criteria provided, single submitter. Criteria: GeneDx Variant Classification Process June 2021. Collection method: clinical testing. Allele origin: germline. Affected: yes.
Comment: Not observed at significant frequency in large population cohorts (gnomAD); In silico analysis supports that this missense variant has a deleterious effect on protein structure/function; Has not been previously published as pathogenic or benign to our knowledge